The following is an entry in ClinVar:

NM_001082486.2(ACD):c.868A>G (p.Ser290Gly)

Gene: ACD (ACD shelterin complex subunit and telomerase recruitment factor; minus strand). Cytogenetic location: 16q22.1.
Variant type: single nucleotide variant.
Coding change: c.868A>G on transcript NM_001082486.2 (MANE Select); coding-DNA position 868, A replaced by G.
Protein change: p.Ser290Gly; replaces serine 290 with glycine.
Molecular consequence: missense variant.
Genome position (GRCh38, 1-based): chr16:67,658,324, T>C on the plus strand (A>G on the coding strand, the complement: ACD is on the minus strand). VCF-style: chr16-67658324-T-C. GRCh37 (hg19) VCF-style: chr16-67692227-T-C.
Other names: c.859A>G, p.Ser287Gly (NM_022914.3); c.1126A>G (NM_001082486.1); short protein forms S287G, S290G.
Identifiers: ClinVar variation 1697768 (VCV001697768.8), dbSNP rs2142968732, ClinGen allele CA396352935.

ClinVar aggregate classification (germline): Uncertain significance. Review status: criteria provided, multiple submitters, no conflicts (2 of 4 stars). 2 submissions from 2 submitters: Uncertain significance (2). Last evaluated 2025-03-04.

Conditions:
Inborn genetic diseases. Identifiers: MedGen C0950123, MeSH D030342.

Allele frequency attached by ClinVar (database versions not stated): gnomAD exomes below 0.00001.
gnomAD v4.1: 1 of 1,613,830 alleles (0.000062%); highest among the groups gnomAD compares: South Asian, 0.0011%; no homozygotes.

Submissions (2):

Center for Genomic Medicine, Rigshospitalet, Copenhagen University Hospital
Classification: Uncertain significance. Last evaluated: 2025-03-04. Review status: criteria provided, single submitter. Criteria: ACMG Guidelines, 2015. Collection method: clinical testing. Allele origin: germline.

Ambry Genetics
Classification: Uncertain significance for Inborn genetic diseases. Last evaluated: 2024-09-19. Review status: criteria provided, single submitter. Criteria: Ambry Variant Classification Scheme 2023. Collection method: clinical testing. Allele origin: germline.
Comment: The p.S376G variant (also known as c.1126A>G), located in coding exon 10 of the ACD gene, results from an A to G substitution at nucleotide position 1126. The serine at codon 376 is replaced by glycine, an amino acid with similar properties. This amino acid position is conserved. In addition, this alteration is predicted to be tolerated by in silico analysis. Based on the available evidence, the clinical significance of this variant remains unclear.